The following is an entry in ClinVar:

NM_000138.5(FBN1):c.3965-1081A>G

Gene: FBN1 (fibrillin 1; minus strand). Cytogenetic location: 15q21.1.
Variant type: single nucleotide variant.
Coding change: c.3965-1081A>G on transcript NM_000138.5 (MANE Select); 1081 bases into the intron before coding-DNA position 3965, A replaced by G.
Molecular consequence: intron variant.
Genome position (GRCh38, 1-based): chr15:48,475,731, T>C on the plus strand (A>G on the coding strand, the complement: FBN1 is on the minus strand). VCF-style: chr15-48475731-T-C. GRCh37 (hg19) VCF-style: chr15-48767928-T-C.
Other names: c.3965-1081A>G (NM_001406716.1).
Identifiers: ClinVar variation 3769613 (VCV003769613.2).
Genomic context (GRCh38, chr15:48,475,731, plus strand): 5'-GAATAGTGGCATGAAAAAGAAACTGGGCAAGTAATTCATGTTTGCCTTTTTGTTTACTTA[T>C]GAAGCCCAATTAAATGATTTGAAAGTGTTTGCAAACATGCTATCTGCCAAGTGTTCCATC-3'

ClinVar aggregate classification (germline): Likely pathogenic. Review status: criteria provided, multiple submitters, no conflicts (2 of 4 stars). 2 submissions from 2 submitters: Likely pathogenic (2). Last evaluated 2026-02-17.

Conditions:
Marfan syndrome (MFS). Also called: MARFAN SYNDROME, TYPE I; Marfan syndrome type 1; Marfan's syndrome; Marfan syndrome, classic; FBN1-Related Marfan Syndrome. Identifiers: Orphanet 284963, Orphanet 558, MedGen C0024796, MONDO:0007947, OMIM 154700.

Submissions (2):

Department of Pediatrics, Nagoya University Graduate School of Medicine
Classification: Likely pathogenic for Marfan syndrome. Last evaluated: 2026-02-17. Review status: criteria provided, single submitter. Criteria: ACMG Guidelines, 2015. Collection method: research, in vitro. Allele origin: unknown, not applicable. Affected: yes. Observed: 1 variant allele. Functional consequence: retained intron.
Comment: The FBN1 variant (NM_000138.5:c.3965-1081A>G) is predicted to affect pre-mRNA splicing. RNA analysis demonstrated intron 32 retention, generating two aberrant transcripts with in-frame insertions of 103 bp and 105 bp, respectively. The retained intronic sequence lies within the region encoding the calcium-binding EGF-like domain 22, and the in-frame insertion is expected to disrupt the integrity and function of this domain. This variant is absent from large population databases, including gnomAD. Based on these findings, the following ACMG/AMP criteria were applied to classify this variant as Likely Pathogenic: PVS1_Strong (RNA), PM2, and PP4.

Clinical and Biomedical Sciences, University of Exeter
Classification: Likely pathogenic for Marfan syndrome. Last evaluated: 2025-02-28. Review status: criteria provided, single submitter. Criteria: ACMG Guidelines, 2015. Collection method: research. Allele origin: germline. Affected: yes. Study: 100,000 Genomes Project.
Comment: RT-PCR from blood showed pseudoexon of 105bp, consistent with in silico prediction, r.3964_3965ins105, p.(Asp1322delins36). The inserted amino acid sequence is EVMKKPKIPGPFQSFRWNTWQIACLQTLSNHLIGLH. This would disrupt the initial Asp residue of a cbEGF domain and together this insertion of these amino acids into the EGF-like repeat array is predicted to affect FBN1 protein function.